The following is an entry in ClinVar:

NM_000501.4(ELN):c.152T>C (p.Leu51Pro)

Gene: ELN (elastin; plus strand). Cytogenetic location: 7q11.23.
Variant type: single nucleotide variant.
Coding change: c.152T>C on transcript NM_000501.4 (MANE Select); coding-DNA position 152, T replaced by C.
Protein change: p.Leu51Pro; replaces leucine 51 with proline.
Molecular consequence: missense variant. On other transcripts: intron variant (4).
Genome position (GRCh38, 1-based): chr7:74,036,573, T>C. VCF-style: chr7-74036573-T-C. GRCh37 (hg19) VCF-style: chr7-73450903-T-C.
Other names: c.152T>C, p.Leu51Pro (NM_001081753.3, NM_001081754.3, NM_001081755.3 and 5 more transcripts); c.134-1134T>C (NM_001278914.2, NM_001278917.2, NM_001081752.3 and 1 more transcripts); short protein forms L51P.
Identifiers: ClinVar variation 1809835 (VCV001809835.6), dbSNP rs2484849975, ClinGen allele CA367868946.

ClinVar aggregate classification (germline): Uncertain significance. Review status: criteria provided, multiple submitters, no conflicts (2 of 4 stars). 2 submissions from 2 submitters: Uncertain significance (2). Last evaluated 2025-02-12.

Conditions:
Supravalvar aortic stenosis (SVAS). Also called: Supravalvar aortic stenosis, Eisenberg type. Identifiers: Orphanet 3193, MedGen C0003499, MONDO:0008504, OMIM 185500, HP:0004381.

Submissions (2):

Labcorp Genetics (formerly Invitae), Labcorp
Classification: Uncertain significance for Supravalvar aortic stenosis. Last evaluated: 2025-02-12. Review status: criteria provided, single submitter. Criteria: Invitae Variant Classification Sherloc (09022015). Collection method: clinical testing. Allele origin: germline.
Comment: This sequence change replaces leucine, which is neutral and non-polar, with proline, which is neutral and non-polar, at codon 51 of the ELN protein (p.Leu51Pro). This variant is not present in population databases (gnomAD no frequency). This variant has not been reported in the literature in individuals affected with ELN-related conditions. ClinVar contains an entry for this variant (Variation ID: 1809835). Invitae Evidence Modeling of protein sequence and biophysical properties (such as structural, functional, and spatial information, amino acid conservation, physicochemical variation, residue mobility, and thermodynamic stability) indicates that this missense variant is not expected to disrupt ELN protein function with a negative predictive value of 80%. In summary, the available evidence is currently insufficient to determine the role of this variant in disease. Therefore, it has been classified as a Variant of Uncertain Significance.

GeneDx
Classification: Uncertain significance. Last evaluated: 2022-06-27. Review status: criteria provided, single submitter. Criteria: GeneDx Variant Classification Process June 2021. Collection method: clinical testing. Allele origin: germline. Affected: yes.
Comment: Not observed at significant frequency in large population cohorts (gnomAD); In silico analysis supports that this missense variant has a deleterious effect on protein structure/function; Has not been previously published as pathogenic or benign to our knowledge